The following is an entry in ClinVar:

ClinVar aggregate classification (germline): Likely pathogenic (1 of 4 stars; one submission).

Conditions:
Hyperinsulinemic hypoglycemia, familial, 1 (HHF1). Also called: HYPERINSULINISM, FAMILIAL, WITH PANCREATIC NESIDIOBLASTOSIS; HYPOGLYCEMIA, HYPERINSULINEMIC, OF INFANCY; NESIDIOBLASTOSIS OF PANCREAS; Persistent hyperinsulinemic hypoglycemia of infancy; Persistent Hyperinsulinemia Hypoglycemia of Infancy. Identifiers: Orphanet 276575, Orphanet 276598, MedGen C2931832, MONDO:0009734, OMIM 256450.

Submission:

Myriad Genetics, Inc.
Classification: Likely pathogenic for Hyperinsulinemic hypoglycemia, familial, 1. Last evaluated: 2022-03-17. Review status: criteria provided, single submitter. Criteria: Myriad Women's Health Autosomal Recessive and X-Linked Classification Criteria (2021). Collection method: clinical testing. Allele origin: unknown.
Comment: NM_000352.3(ABCC8):c.3264_3265ins10(G1089Ffs*28) is expected to be pathogenic in the context of familial hyperinsulinism, ABCC8-related. This variant is predicted to lead to an abnormal or absent protein product due to the creation of a premature termination codon in ABCC8, a gene where loss-of-function variants are known to be pathogenic. Please note: this variant was assessed in the context of healthy population screening.

NM_000352.6(ABCC8):c.3264_3265insTTTTATAGAT (p.Gly1089fs)

Gene: ABCC8 (ATP binding cassette subfamily C member 8; minus strand). Cytogenetic location: 11p15.1.
Variant type: Insertion.
Coding change: c.3264_3265insTTTTATAGAT on transcript NM_000352.6 (MANE Select); coding-DNA positions 3264 to 3265, TTTTATAGAT inserted.
Protein change: p.Gly1089fs; shifts the reading frame from glycine 1089.
Molecular consequence: frameshift variant. On other transcripts: non-coding transcript variant (1).
Genome position: GRCh38 VCF-style: chr11-17406686-C-CATCTATAAAA. GRCh37 (hg19) VCF-style: chr11-17428233-C-CATCTATAAAA.
Other names: c.3267_3268insTTTTATAGAT, p.Gly1090fs (NM_001287174.3); c.3330_3331insTTTTATAGAT, p.Gly1111fs (NM_001351295.2); c.3264_3265insTTTTATAGAT, p.Gly1089fs (NM_001351296.2); c.3261_3262insTTTTATAGAT, p.Gly1088fs (NM_001351297.2); short protein forms G1088fs, G1089fs, G1090fs, G1111fs.
Identifiers: ClinVar variation 1725384 (VCV001725384.2), dbSNP rs2496527262, ClinGen allele CA2580082816.